The following is an entry in ClinVar:

NM_080680.3(COL11A2):c.3859G>C (p.Asp1287His)

Gene: COL11A2 (collagen type XI alpha 2 chain; minus strand). Cytogenetic location: 6p21.32.
Variant type: single nucleotide variant.
Coding change: c.3859G>C on transcript NM_080680.3 (MANE Select); coding-DNA position 3859, G replaced by C.
Protein change: p.Asp1287His; replaces aspartic acid 1287 with histidine.
Molecular consequence: missense variant.
Genome position (GRCh38, 1-based): chr6:33,168,753, C>G on the plus strand (G>C on the coding strand, the complement: COL11A2 is on the minus strand). VCF-style: chr6-33168753-C-G. GRCh37 (hg19) VCF-style: chr6-33136530-C-G.
Other names: c.3859G>C (NM_080680.2); c.3538G>C, p.Asp1180His (NM_080679.3); c.3601G>C, p.Asp1201His (NM_080681.3); short protein forms D1180H, D1201H, D1287H.
Identifiers: ClinVar variation 982752 (VCV000982752.5), dbSNP rs1219133025, ClinGen allele CA363625253.

ClinVar aggregate classification (germline): Conflicting classifications of pathogenicity. Review status: criteria provided, conflicting classifications (1 of 4 stars). 3 submissions from 3 submitters: Uncertain significance (2); Likely benign (1). Last evaluated 2025-06-12.

Conditions:
Autosomal dominant nonsyndromic hearing loss 13. Identifiers: Orphanet 90635, MedGen C1866095, MONDO:0011159, OMIM 601868.

Allele frequency attached by ClinVar (database versions not stated): gnomAD exomes below 0.00001 and 0.00001; TOPMed below 0.00001.

Submissions (3):

Labcorp Genetics (formerly Invitae), Labcorp
Classification: Likely benign. Last evaluated: 2025-06-12. Review status: criteria provided, single submitter. Criteria: Invitae Variant Classification Sherloc (09022015). Collection method: clinical testing. Allele origin: germline.

GeneDx
Classification: Uncertain significance. Last evaluated: 2022-10-18. Review status: criteria provided, single submitter. Criteria: GeneDx Variant Classification Process June 2021. Collection method: clinical testing. Allele origin: germline. Affected: yes.
Comment: In silico analysis supports that this missense variant has a deleterious effect on protein structure/function; Has not been previously published as pathogenic or benign to our knowledge

Institute of Human Genetics, University of Leipzig Medical Center
Classification: Uncertain significance for Autosomal dominant nonsyndromic hearing loss 13. Last evaluated: 2019-01-01. Review status: criteria provided, single submitter. Criteria: ACMG Guidelines, 2015. Collection method: clinical testing. Allele origin: unknown. Affected: yes.